The following is an entry in ClinVar:

NM_000492.4(CFTR):c.3630dup (p.Thr1211fs)

Genes: CFTR-AS2 (CFTR antisense RNA 2; minus strand), CFTR (CF transmembrane conductance regulator; plus strand). Cytogenetic location: 7q31.2.
Variant type: Duplication.
Coding change: c.3630dup on transcript NM_000492.4 (MANE Select); coding-DNA position 3630, one base duplicated (G; older notation c.3630dupG).
Protein change: p.Thr1211fs; shifts the reading frame from threonine 1211.
Molecular consequence: frameshift variant.
Genome position (GRCh38, 1-based): chr7:117,627,683, G duplicated. VCF-style (leftmost placement, unchanged base first): chr7-117627682-T-TG. GRCh37 (hg19) VCF-style: chr7-117267736-T-TG.
Other names: short protein forms T1211fs.
Identifiers: ClinVar variation 4818542 (VCV004818542.1).
Genomic context (GRCh38, chr7:117,627,682, plus strand): 5'-TTATGATTATTGAGAATTCACACGTGAAGAAAGATGACATCTGGCCCTCAGGGGGCCAAA[T>TG]GACTGTCAAAGATCTCACAGCAAAATACACAGAAGGTGGAAATGCCATATTAGAGAACAT-3'

ClinVar aggregate classification (germline): Likely pathogenic (1 of 4 stars; one submission).

Conditions:
CFTR-related disorder (CFTR-RD). Also called: CFTR-related disorders; CFTR-related condition. Identifiers: MedGen C5924204, MONDO:7770004.

Submission:

Natera, Inc.
Classification: Likely pathogenic for CFTR-related disorders. Last evaluated: 2024-12-17. Review status: criteria provided, single submitter. Criteria: Natera Variant Classification Schema (03/2026). Collection method: clinical testing. Allele origin: germline.
Comment: The c.3630dup variant in CFTR is a frameshift variant predicted to shift the reading frame beginning at codon 1211 and leads to a stop codon 54 codons downstream. This variant is expected to result in nonsense mediated decay, truncation, or a dysfunctional protein product. This variant is rare in the general population with a frequency below the threshold expected for the associated phenotype(s). Given the available evidence, this variant is classified as Likely Pathogenic.